The following is an entry in ClinVar:

NM_012469.4(PRPF6):c.1484G>A (p.Arg495Gln)

Genes: PRPF6 (pre-mRNA processing factor 6; plus strand), LOC126863089 (BRD4-independent group 4 enhancer GRCh37_chr20:62642795-62643994; plus strand). Cytogenetic location: 20q13.33.
Variant type: single nucleotide variant.
Coding change: c.1484G>A on transcript NM_012469.4 (MANE Select); coding-DNA position 1484, G replaced by A.
Protein change: p.Arg495Gln; replaces arginine 495 with glutamine.
Molecular consequence: missense variant.
Genome position (GRCh38, 1-based): chr20:64,011,463, G>A. VCF-style: chr20-64011463-G-A. GRCh37 (hg19) VCF-style: chr20-62642816-G-A.
Other names: short protein forms R495Q.
Identifiers: ClinVar variation 1052955 (VCV001052955.9), dbSNP rs773978300, ClinGen allele CA9972192.

ClinVar aggregate classification (germline): Uncertain significance (1 of 4 stars; one submission).

Allele frequency attached by ClinVar (database versions not stated): gnomAD 0.00001; gnomAD exomes 0.00001 and 0.00002; TOPMed 0.00001; ExAC 0.00003.

Submission:

Labcorp Genetics (formerly Invitae), Labcorp
Classification: Uncertain significance. Last evaluated: 2022-04-12. Review status: criteria provided, single submitter. Criteria: Invitae Variant Classification Sherloc (09022015). Collection method: clinical testing. Allele origin: germline.
Comment: This sequence change replaces arginine, which is basic and polar, with glutamine, which is neutral and polar, at codon 495 of the PRPF6 protein (p.Arg495Gln). This variant is present in population databases (rs773978300, gnomAD 0.004%). In summary, the available evidence is currently insufficient to determine the role of this variant in disease. Therefore, it has been classified as a Variant of Uncertain Significance. Algorithms developed to predict the effect of sequence changes on RNA splicing suggest that this variant may create or strengthen a splice site. Algorithms developed to predict the effect of missense changes on protein structure and function (SIFT, PolyPhen-2, Align-GVGD) all suggest that this variant is likely to be tolerated. ClinVar contains an entry for this variant (Variation ID: 1052955). This variant has not been reported in the literature in individuals affected with PRPF6-related conditions.